The following is an entry in ClinVar:

NM_001009944.3(PKD1):c.12573C>T (p.Ser4191=)

Gene: PKD1 (polycystin 1, transient receptor potential channel interacting; minus strand). Cytogenetic location: 16p13.3.
Variant type: single nucleotide variant.
Coding change: c.12573C>T on transcript NM_001009944.3 (MANE Select); coding-DNA position 12573, C replaced by T.
Protein change: p.Ser4191=; no amino-acid change (serine 4191 retained).
Molecular consequence: synonymous variant.
Genome position (GRCh38, 1-based): chr16:2,090,066, G>A on the plus strand (C>T on the coding strand, the complement: PKD1 is on the minus strand). VCF-style: chr16-2090066-G-A. GRCh37 (hg19) VCF-style: chr16-2140067-G-A.
Other names: c.12570C>T, p.Ser4190= (NM_000296.4).
Identifiers: ClinVar variation 1712045 (VCV001712045.3), dbSNP rs1278720724, ClinGen allele CA493043863.

ClinVar aggregate classification (germline): Conflicting classifications of pathogenicity. Review status: criteria provided, conflicting classifications (1 of 4 stars). 2 submissions from 2 submitters: Uncertain significance (1); Likely benign (1). Last evaluated 2026-02-20.

Allele frequency attached by ClinVar (database versions not stated): gnomAD exomes below 0.00001; gnomAD 0.00001; TOPMed 0.00001.
gnomAD v4.1: 4 of 1,610,578 alleles (0.00025%); highest among the groups gnomAD compares: Non-Finnish European, 0.00034%; no homozygotes.

Submissions (2):

Women's Health and Genetics/Laboratory Corporation of America, LabCorp
Classification: Likely benign. Last evaluated: 2026-02-20. Review status: criteria provided, single submitter. Criteria: LabCorp Variant Classification Summary - May 2015. Collection method: clinical testing. Allele origin: germline.

GeneDx
Classification: Uncertain significance. Last evaluated: 2022-04-18. Review status: criteria provided, single submitter. Criteria: GeneDx Variant Classification Process June 2021. Collection method: clinical testing. Allele origin: germline. Affected: yes.
Comment: Not observed at significant frequency in large population cohorts (gnomAD); In silico analysis supports that this variant does not alter splicing; Has not been previously published as pathogenic or benign to our knowledge